The following is an entry in ClinVar:

ClinVar aggregate classification (germline): Uncertain significance (1 of 4 stars; one submission).

Submission:

Labcorp Genetics (formerly Invitae), Labcorp
Classification: Uncertain significance. Last evaluated: 2022-09-06. Review status: criteria provided, single submitter. Criteria: Invitae Variant Classification Sherloc (09022015). Collection method: clinical testing. Allele origin: germline.
Comment: In summary, the available evidence is currently insufficient to determine the role of this variant in disease. Therefore, it has been classified as a Variant of Uncertain Significance. Algorithms developed to predict the effect of missense changes on protein structure and function are either unavailable or do not agree on the potential impact of this missense change (SIFT: "Tolerated"; PolyPhen-2: "Not Available"; Align-GVGD: "Class C0"). This variant has not been reported in the literature in individuals affected with TOPORS-related conditions. This variant is not present in population databases (gnomAD no frequency). This sequence change replaces histidine, which is basic and polar, with asparagine, which is neutral and polar, at codon 824 of the TOPORS protein (p.His824Asn).

NM_005802.5(TOPORS):c.2470C>A (p.His824Asn)

Gene: TOPORS (TOP1 binding arginine/serine rich protein, E3 ubiquitin ligase; minus strand). Cytogenetic location: 9p21.1.
Variant type: single nucleotide variant.
Coding change: c.2470C>A on transcript NM_005802.5 (MANE Select); coding-DNA position 2470, C replaced by A.
Protein change: p.His824Asn; replaces histidine 824 with asparagine.
Molecular consequence: missense variant.
Genome position (GRCh38, 1-based): chr9:32,542,055, G>T on the plus strand (C>A on the coding strand, the complement: TOPORS is on the minus strand). VCF-style: chr9-32542055-G-T. GRCh37 (hg19) VCF-style: chr9-32542053-G-T.
Other names: c.2275C>A, p.His759Asn (NM_001195622.2); short protein forms H759N, H824N.
Identifiers: ClinVar variation 2105067 (VCV002105067.4), dbSNP rs2489446729, ClinGen allele CA373163318.
Genomic context (GRCh38, chr9:32,542,055, plus strand): 5'-AAAAGGTATCACTCTCATTTTTGTAGTTTCCATCCAATTTTGATGAAGATTTTTGGTAAT[G>T]ACTGTCCTTTGCTTTAGAAGCAAATTCACGAGATGGCTGAGCCACTTCGTTAGTACCCTC-3'
Protein context (NP_005793.2, residues 814-834): REFASKAKDS[His824Asn]YQKSSSKLDG